The following is an entry in ClinVar:

ClinVar aggregate classification (germline): Uncertain significance (1 of 4 stars; one submission).

Conditions:
Chédiak-Higashi syndrome (CHS). Also called: Chediak-Higashi Syndrome. Identifiers: Orphanet 167, MedGen C0007965, MONDO:0008963, OMIM 214500.

Submission:

Labcorp Genetics (formerly Invitae), Labcorp
Classification: Uncertain significance for Chédiak-Higashi syndrome. Last evaluated: 2022-08-03. Review status: criteria provided, single submitter. Criteria: Invitae Variant Classification Sherloc (09022015). Collection method: clinical testing. Allele origin: germline.
Comment: In summary, the available evidence is currently insufficient to determine the role of this variant in disease. Therefore, it has been classified as a Variant of Uncertain Significance. Algorithms developed to predict the effect of missense changes on protein structure and function are either unavailable or do not agree on the potential impact of this missense change (SIFT: "Deleterious"; PolyPhen-2: "Probably Damaging"; Align-GVGD: "Class C0"). This variant has not been reported in the literature in individuals affected with LYST-related conditions. This variant is not present in population databases (gnomAD no frequency). This sequence change replaces proline, which is neutral and non-polar, with leucine, which is neutral and non-polar, at codon 2075 of the LYST protein (p.Pro2075Leu).

NM_000081.4(LYST):c.6224C>T (p.Pro2075Leu)

Gene: LYST (lysosomal trafficking regulator; minus strand). Cytogenetic location: 1q42.3.
Variant type: single nucleotide variant.
Coding change: c.6224C>T on transcript NM_000081.4 (MANE Select); coding-DNA position 6224, C replaced by T.
Protein change: p.Pro2075Leu; replaces proline 2075 with leucine.
Molecular consequence: missense variant.
Genome position (GRCh38, 1-based): chr1:235,762,749, G>A on the plus strand (C>T on the coding strand, the complement: LYST is on the minus strand). VCF-style: chr1-235762749-G-A. GRCh37 (hg19) VCF-style: chr1-235926049-G-A.
Other names: c.6224C>T, p.Pro2075Leu (NM_001301365.1); short protein forms P2075L.
Identifiers: ClinVar variation 1930795 (VCV001930795.5), dbSNP rs2527844097, ClinGen allele CA344944846.